The following is an entry in ClinVar:

NM_001018113.3(FANCB):c.1367C>A (p.Ser456Tyr)

Gene: FANCB (FA complementation group B; minus strand). Cytogenetic location: Xp22.2.
Variant type: single nucleotide variant.
Coding change: c.1367C>A on transcript NM_001018113.3 (MANE Select); coding-DNA position 1367, C replaced by A.
Protein change: p.Ser456Tyr; replaces serine 456 with tyrosine.
Molecular consequence: missense variant.
Genome position (GRCh38, 1-based): chrX:14,850,634, G>T on the plus strand (C>A on the coding strand, the complement: FANCB is on the minus strand). VCF-style: chrX-14850634-G-T. GRCh37 (hg19) VCF-style: chrX-14868756-G-T.
Other names: c.1367C>A, p.Ser456Tyr (NM_001324162.2, NM_001410764.1, NM_152633.4); short protein forms S456Y.
Identifiers: ClinVar variation 4749509 (VCV004749509.1).

ClinVar aggregate classification (germline): Uncertain significance (1 of 4 stars; one submission).

Conditions:
Fanconi anemia (FA). Also called: Fanconi's anemia. Identifiers: Orphanet 84, MedGen C0015625, MeSH D005199, MONDO:0019391.

gnomAD v4.1: 1 of 1,188,465 alleles (0.000084%); highest among the groups gnomAD compares: Non-Finnish European, 0.00011%; no homozygotes.

Submission:

Labcorp Genetics (formerly Invitae), Labcorp
Classification: Uncertain significance for Fanconi anemia. Last evaluated: 2025-02-14. Review status: criteria provided, single submitter. Criteria: Invitae Variant Classification Sherloc (09022015). Collection method: clinical testing. Allele origin: germline.
Comment: This sequence change replaces serine, which is neutral and polar, with tyrosine, which is neutral and polar, at codon 456 of the FANCB protein (p.Ser456Tyr). This variant is not present in population databases (gnomAD no frequency). This variant has not been reported in the literature in individuals affected with FANCB-related conditions. Invitae Evidence Modeling of protein sequence and biophysical properties (such as structural, functional, and spatial information, amino acid conservation, physicochemical variation, residue mobility, and thermodynamic stability) indicates that this missense variant is not expected to disrupt FANCB protein function with a negative predictive value of 80%. In summary, the available evidence is currently insufficient to determine the role of this variant in disease. Therefore, it has been classified as a Variant of Uncertain Significance.